The following is an entry in ClinVar:

ClinVar aggregate classification (germline): Likely benign. Review status: criteria provided, multiple submitters, no conflicts (2 of 4 stars). 4 submissions from 4 submitters: Likely benign (3). 1 of the submissions does not count toward it. Last evaluated 2025-12-08.

Conditions:
KIF1B-related disorder. Also called: KIF1B-related condition.
Charcot-Marie-Tooth disease type 2. Also called: Charcot-Marie-Tooth type 2. Identifiers: Orphanet 64746, MedGen C0270914, MONDO:0018993.
Charcot-Marie-Tooth disease. Also called: Charcot-Marie-Tooth Neuropathy; Charcot-Marie-Tooth Hereditary Neuropathy. Identifiers: Orphanet 166, MedGen C0007959, MONDO:0015626.

Allele frequency attached by ClinVar (database versions not stated): ESP Exome Variant Server 0.00008; gnomAD 0.00013 and 0.00014; TOPMed 0.00014; gnomAD exomes 0.00017 and 0.00021; ExAC 0.00028.
gnomAD v4.1: 270 of 1,613,928 alleles (0.017%); highest among the groups gnomAD compares: Non-Finnish European, 0.021%; no homozygotes.

Submissions (4):

Labcorp Genetics (formerly Invitae), Labcorp
Classification: Likely benign for Charcot-Marie-Tooth disease type 2. Last evaluated: 2025-12-08. Review status: criteria provided, single submitter. Criteria: Invitae Variant Classification Sherloc (09022015). Collection method: clinical testing. Allele origin: germline.

Blueprint Genetics
Classification: Likely benign. Last evaluated: 2024-10-28. Review status: criteria provided, single submitter. Criteria: ACMG Guidelines, 2015. Collection method: clinical testing. Allele origin: germline.

Molecular Genetics Laboratory, London Health Sciences Centre
Classification: Likely benign for Charcot-Marie-Tooth disease. Review status: criteria provided, single submitter. Criteria: ACMG Guidelines, 2015. Collection method: clinical testing. Allele origin: germline. Affected: yes.

PreventionGenetics, part of Exact Sciences
Classification: Likely benign for KIF1B-related condition. Last evaluated: 2019-07-19. Review status: no assertion criteria provided. Collection method: clinical testing. Allele origin: germline. Not counted in ClinVar's aggregate classification.
Comment: This variant is classified as likely benign based on ACMG/AMP sequence variant interpretation guidelines (Richards et al. 2015 PMID: 25741868, with internal and published modifications).

NM_001365951.3(KIF1B):c.4946+10C>T

Gene: KIF1B (kinesin family member 1B; plus strand). Cytogenetic location: 1p36.22.
Variant type: single nucleotide variant.
Coding change: c.4946+10C>T on transcript NM_001365951.3 (MANE Select); 10 bases into the intron after coding-DNA position 4946, C replaced by T.
Molecular consequence: intron variant.
Genome position (GRCh38, 1-based): chr1:10,371,272, C>T. VCF-style: chr1-10371272-C-T. GRCh37 (hg19) VCF-style: chr1-10431330-C-T.
Other names: c.4808+10C>T (NM_015074.3); c.4946+10C>T (NM_001365952.1).
Identifiers: ClinVar variation 917023 (VCV000917023.12), dbSNP rs374982816, ClinGen allele CA582222.
Genomic context (GRCh38, chr1:10,371,272, plus strand): 5'-CTCCACCTGTCCCTCTCTGGTAGACTCTAGGAGCAACTCTCTGGATCAGAAGTAAGTACC[C>T]AGATTTCACTGAGAGAAGTCAATCTAAGAACCAAGGTAAATGTCAACCTTCCTCTAGCTC-3'